The following is an entry in ClinVar:

NM_014254.3(RXYLT1):c.1066G>A (p.Val356Met)

Gene: RXYLT1 (ribitol xylosyltransferase 1; plus strand). Cytogenetic location: 12q14.2.
Variant type: single nucleotide variant.
Coding change: c.1066G>A on transcript NM_014254.3 (MANE Select); coding-DNA position 1066, G replaced by A.
Protein change: p.Val356Met; replaces valine 356 with methionine.
Molecular consequence: missense variant.
Genome position (GRCh38, 1-based): chr12:63,808,826, G>A. VCF-style: chr12-63808826-G-A. GRCh37 (hg19) VCF-style: chr12-64202606-G-A.
Other names: c.286G>A, p.Val96Met (NM_001278237.2); short protein forms V356M, V96M.
Identifiers: ClinVar variation 951033 (VCV000951033.10), dbSNP rs541352798, ClinGen allele CA6666236.

ClinVar aggregate classification (germline): Uncertain significance. Review status: criteria provided, multiple submitters, no conflicts (2 of 4 stars). 3 submissions from 3 submitters: Uncertain significance (3). Last evaluated 2025-02-20.

Conditions:
Muscular dystrophy-dystroglycanopathy (congenital with brain and eye anomalies), type a, 10 (MDDGA10). Also called: WALKER-WARBURG SYNDROME OR MUSCLE-EYE-BRAIN DISEASE, TMEM5-RELATED. Identifiers: Orphanet 899, MedGen C3554381, MONDO:0014022, OMIM 615041.

Allele frequency attached by ClinVar (database versions not stated): gnomAD 0.00001 and 0.00003; TOPMed 0.00001; 1000 Genomes Project 30x 0.00016; 1000 Genomes Project 0.00020.
gnomAD v4.1: 54 of 1,614,118 alleles (0.0033%); highest among the groups gnomAD compares: Middle Eastern, 0.016%; 1 homozygote.

Submissions (3):

Labcorp Genetics (formerly Invitae), Labcorp
Classification: Uncertain significance. Last evaluated: 2025-02-20. Review status: criteria provided, single submitter. Criteria: Invitae Variant Classification Sherloc (09022015). Collection method: clinical testing. Allele origin: germline.
Comment: This sequence change replaces valine, which is neutral and non-polar, with methionine, which is neutral and non-polar, at codon 356 of the RXYLT1 protein (p.Val356Met). This variant is present in population databases (rs541352798, gnomAD 0.01%). This variant has not been reported in the literature in individuals affected with RXYLT1-related conditions. ClinVar contains an entry for this variant (Variation ID: 951033). Invitae Evidence Modeling of protein sequence and biophysical properties (such as structural, functional, and spatial information, amino acid conservation, physicochemical variation, residue mobility, and thermodynamic stability) indicates that this missense variant is not expected to disrupt RXYLT1 protein function with a negative predictive value of 80%. In summary, the available evidence is currently insufficient to determine the role of this variant in disease. Therefore, it has been classified as a Variant of Uncertain Significance.

Revvity Omics, Revvity
Classification: Uncertain significance for Muscular dystrophy-dystroglycanopathy (congenital with brain and eye anomalies), type a, 10. Last evaluated: 2024-11-20. Review status: criteria provided, single submitter. Criteria: ACMG Guidelines, 2015. Collection method: clinical testing. Allele origin: germline.

Breakthrough Genomics
Classification: Uncertain significance. Review status: criteria provided, single submitter. Criteria: ACMG Guidelines, 2015. Collection method: not provided. Allele origin: germline. Inheritance: Autosomal recessive inheritance. Affected: yes.